The following is an entry in ClinVar:

ClinVar aggregate classification (germline): Uncertain significance (1 of 4 stars; one submission).

Submission:

Ambry Genetics
Classification: Uncertain significance. Last evaluated: 2025-10-01. Review status: criteria provided, single submitter. Criteria: Ambry Variant Classification Scheme 2023. Collection method: clinical testing. Allele origin: germline.
Comment: The c.1746-1G>A intronic variant results from a G to A substitution one nucleotide upstream from coding exon 9 of the ATRIP gene. This nucleotide position is highly conserved in available vertebrate species. In silico splice site analysis predicts that this alteration will weaken the native splice acceptor site and will result in the creation or strengthening of a novel splice acceptor site. The evidence for this gene-disease relationship is limited; therefore, the clinical significance of this alteration is unclear.

NM_130384.3(ATRIP):c.1746-1G>A

Genes: ATRIP (ATR interacting protein; plus strand), ATRIP-TREX1 (ATRIP-TREX1 readthrough; plus strand). Cytogenetic location: 3p21.31.
Variant type: single nucleotide variant.
Coding change: c.1746-1G>A on transcript NM_130384.3 (MANE Select); the canonical splice acceptor site of the intron before coding-DNA position 1746, G replaced by A.
Molecular consequence: splice acceptor variant.
Genome position (GRCh38, 1-based): chr3:48,463,744, G>A. VCF-style: chr3-48463744-G-A. GRCh37 (hg19) VCF-style: chr3-48505143-G-A.
Other names: c.1746-1G>A (NM_032166.4); c.1365-1G>A (NM_001271022.2); c.1467-1G>A (NM_001271023.2).
Identifiers: ClinVar variation 4644516 (VCV004644516.1).
Genomic context (GRCh38, chr3:48,463,744, plus strand): 5'-AAGGTAGGTTATGGAGCTGGGGTTGGGGAGTGTCACGTCTCTCTGGGTCCCTGTCTTTTA[G>A]GTTCCAGTGTGTGTTCCAAGTGCTGCCAAAGTGCCTCAGCCCAGAGACACCCCTGCCTAG-3'